The following is an entry in ClinVar:

NM_015340.4(LARS2):c.1124-293A>T

Genes: LARS2-AS1 (LARS2 antisense RNA 1; minus strand), LARS2 (leucyl-tRNA synthetase 2, mitochondrial; plus strand). Cytogenetic location: 3p21.31.
Variant type: single nucleotide variant.
Coding change: c.1124-293A>T on transcript NM_015340.4 (MANE Select); 293 bases into the intron before coding-DNA position 1124, A replaced by T.
Molecular consequence: intron variant.
Genome position (GRCh38, 1-based): chr3:45,488,404, A>T. VCF-style: chr3-45488404-A-T. GRCh37 (hg19) VCF-style: chr3-45529896-A-T.
Other names: c.1124-293A>T (NM_001368263.1).
Identifiers: ClinVar variation 684178 (VCV000684178.1), dbSNP rs1825212, ClinGen allele CA11404230.

ClinVar aggregate classification (germline): Benign (1 of 4 stars; one submission).

Allele frequency attached by ClinVar (database versions not stated): TOPMed 0.48776; 1000 Genomes Project 30x 0.49594; 1000 Genomes Project 0.50319; gnomAD 0.50580 and 0.51255.
gnomAD v4.1: 78,238 of 152,186 alleles (51%); highest among the groups gnomAD compares: East Asian, 78%; 24,038 homozygotes.

Submission:

GeneDx
Classification: Benign. Last evaluated: 2018-06-14. Review status: criteria provided, single submitter. Criteria: GeneDx Variant Classification (06012015). Collection method: clinical testing. Allele origin: germline. Affected: yes.
Comment: This variant is considered likely benign or benign based on one or more of the following criteria: it is a conservative change, it occurs at a poorly conserved position in the protein, it is predicted to be benign by multiple in silico algorithms, and/or has population frequency not consistent with disease.